The following is an entry in ClinVar:

ClinVar aggregate classification (germline): Likely benign. Review status: criteria provided, multiple submitters, no conflicts (2 of 4 stars). 3 submissions from 3 submitters: Likely benign (2). 1 of the submissions does not count toward it. Last evaluated 2025-09-14.

Conditions:
SNRNP200-related disorder. Also called: SNRNP200-related condition.

gnomAD v4.1: 67 of 1,614,056 alleles (0.0042%); highest among the groups gnomAD compares: Middle Eastern, 0.016%; no homozygotes.

Submissions (3):

Labcorp Genetics (formerly Invitae), Labcorp
Classification: Likely benign. Last evaluated: 2025-09-14. Review status: criteria provided, single submitter. Criteria: Invitae Variant Classification Sherloc (09022015). Collection method: clinical testing. Allele origin: germline.

Blueprint Genetics
Classification: Likely benign. Last evaluated: 2024-08-28. Review status: criteria provided, single submitter. Criteria: ACMG Guidelines, 2015. Collection method: clinical testing. Allele origin: germline.

PreventionGenetics, part of Exact Sciences
Classification: Likely benign for SNRNP200-related condition. Last evaluated: 2020-08-25. Review status: no assertion criteria provided. Collection method: clinical testing. Allele origin: germline. Not counted in ClinVar's aggregate classification.
Comment: This variant is classified as likely benign based on ACMG/AMP sequence variant interpretation guidelines (Richards et al. 2015 PMID: 25741868, with internal and published modifications).

NM_014014.5(SNRNP200):c.3615G>A (p.Thr1205=)

Gene: SNRNP200 (small nuclear ribonucleoprotein U5 subunit 200; minus strand). Cytogenetic location: 2q11.2.
Variant type: single nucleotide variant.
Coding change: c.3615G>A on transcript NM_014014.5 (MANE Select); coding-DNA position 3615, G replaced by A.
Protein change: p.Thr1205=; no amino-acid change (threonine 1205 retained).
Molecular consequence: synonymous variant.
Genome position (GRCh38, 1-based): chr2:96,287,030, C>T on the plus strand (G>A on the coding strand, the complement: SNRNP200 is on the minus strand). VCF-style: chr2-96287030-C-T. GRCh37 (hg19) VCF-style: chr2-96952768-C-T.
Other names: c.3615G>A (NM_014014.4).
Identifiers: ClinVar variation 1114601 (VCV001114601.12), dbSNP rs771067816, ClinGen allele CA1778425.